The following is an entry in ClinVar:

ClinVar aggregate classification (germline): Uncertain significance (1 of 4 stars; one submission).

Conditions:
Gorlin syndrome. Also called: Nevoid Basal Cell Carcinoma Syndrome; Basal cell nevus syndrome. Identifiers: Orphanet 377, MedGen C0004779, MONDO:0007187.
Medulloblastoma (MDB). Also called: MEDULLOBLASTOMA PREDISPOSITION SYNDROME; Medulloblastoma, somatic. Identifiers: Orphanet 616, MedGen C0025149, MeSH D008527, MONDO:0007959, OMIM 155255, HP:0002885.

Submission:

Labcorp Genetics (formerly Invitae), Labcorp
Classification: Uncertain significance for Gorlin syndrome; Medulloblastoma. Last evaluated: 2022-11-17. Review status: criteria provided, single submitter. Criteria: Invitae Variant Classification Sherloc (09022015). Collection method: clinical testing. Allele origin: germline.
Comment: This sequence change replaces leucine, which is neutral and non-polar, with arginine, which is basic and polar, at codon 360 of the SUFU protein (p.Leu360Arg). In summary, the available evidence is currently insufficient to determine the role of this variant in disease. Therefore, it has been classified as a Variant of Uncertain Significance. Advanced modeling of protein sequence and biophysical properties (such as structural, functional, and spatial information, amino acid conservation, physicochemical variation, residue mobility, and thermodynamic stability) performed at Invitae indicates that this missense variant is not expected to disrupt SUFU protein function. This variant has not been reported in the literature in individuals affected with SUFU-related conditions. This variant is not present in population databases (gnomAD no frequency).

NM_016169.4(SUFU):c.1079T>G (p.Leu360Arg)

Gene: SUFU (SUFU negative regulator of hedgehog signaling; plus strand). Cytogenetic location: 10q24.32.
Variant type: single nucleotide variant.
Coding change: c.1079T>G on transcript NM_016169.4 (MANE Select); coding-DNA position 1079, T replaced by G.
Protein change: p.Leu360Arg; replaces leucine 360 with arginine.
Molecular consequence: missense variant.
Genome position (GRCh38, 1-based): chr10:102,615,324, T>G. VCF-style: chr10-102615324-T-G. GRCh37 (hg19) VCF-style: chr10-104375081-T-G.
Other names: c.1079T>G, p.Leu360Arg (NM_001178133.2); short protein forms L360R.
Identifiers: ClinVar variation 2941631 (VCV002941631.3), dbSNP rs2492779104, ClinGen allele CA377914032.
Genomic context (GRCh38, chr10:102,615,324, plus strand): 5'-ACAGGAGCCGCAAAGACAGCCTGGAAAGTGACAGCTCCACGGCCATCATTCCCCATGAGC[T>G]GATTCGCACGCGGCAGCTTGAGAGCGTACATCTGAAATTCAACCAGGAGTCCGGAGCCCT-3'
Protein context (NP_057253.2, residues 350-370): DSSTAIIPHE[Leu360Arg]IRTRQLESVH